The following is an entry in ClinVar:

NM_024596.5(MCPH1):c.-8C>T

Gene: MCPH1 (microcephalin 1; plus strand). Cytogenetic location: 8p23.1.
Variant type: single nucleotide variant.
Coding change: c.-8C>T on transcript NM_024596.5 (MANE Select); 8 bases upstream of the start codon, C replaced by T.
Molecular consequence: 5 prime UTR variant. On other transcripts: non-coding transcript variant (1).
Genome position (GRCh38, 1-based): chr8:6,406,660, C>T. VCF-style: chr8-6406660-C-T. GRCh37 (hg19) VCF-style: chr8-6264181-C-T.
Other names: c.-8C>T (NM_001172574.2, NM_001172575.2, NM_001322042.2 and 5 more transcripts).
Identifiers: ClinVar variation 3050955 (VCV003050955.2), dbSNP rs375171907, ClinGen allele CA4609968.
Genomic context (GRCh38, chr8:6,406,660, plus strand): 5'-AGTGCCCGCGCGCGCCGCCAGGCTCGCAAGCACCGCGTAGGCCAGCTGGCCGGATCCCGC[C>T]GTCTGTCATGGCGGCCCCCATCCTGAAAGGTGAGGTACTTCCTGCTGCCTGCTCCAGCAG-3'

ClinVar aggregate classification (germline): Likely benign (0 of 4 stars; one submission).

Conditions:
MCPH1-related disorder. Also called: MCPH1-related condition.

Allele frequency attached by ClinVar (database versions not stated): gnomAD exomes below 0.00001; ExAC 0.00001; gnomAD 0.00002; ESP Exome Variant Server 0.00017.
gnomAD v4.1: 12 of 1,611,990 alleles (0.00074%); highest among the groups gnomAD compares: East Asian, 0.0022%; no homozygotes.

Submission:

PreventionGenetics, part of Exact Sciences
Classification: Likely benign for MCPH1-related condition. Last evaluated: 2020-10-14. Review status: no assertion criteria provided. Collection method: clinical testing. Allele origin: germline.
Comment: This variant is classified as likely benign based on ACMG/AMP sequence variant interpretation guidelines (Richards et al. 2015 PMID: 25741868, with internal and published modifications).